The following is an entry in ClinVar:

NM_145725.3(TRAF3):c.245+21C>T

Gene: TRAF3 (TNF receptor associated factor 3; plus strand). Cytogenetic location: 14q32.32.
Variant type: single nucleotide variant.
Coding change: c.245+21C>T on transcript NM_145725.3 (MANE Select); 21 bases into the intron after coding-DNA position 245, C replaced by T.
Molecular consequence: intron variant.
Genome position (GRCh38, 1-based): chr14:102,870,467, C>T. VCF-style: chr14-102870467-C-T. GRCh37 (hg19) VCF-style: chr14-103336804-C-T.
Other names: c.245+21C>T (NM_001385142.1, NM_145726.3, NM_001385143.1 and 2 more transcripts).
Identifiers: ClinVar variation 2688345 (VCV002688345.2), dbSNP rs28670970, ClinGen allele CA7359185.

ClinVar aggregate classification (germline): Benign (1 of 4 stars; one submission).

Allele frequency attached by ClinVar (database versions not stated): ESP Exome Variant Server 0.06687; 1000 Genomes Project 0.06749; 1000 Genomes Project 30x 0.06871.
gnomAD v4.1: 60,267 of 1,610,892 alleles (3.7%); highest among the groups gnomAD compares: African/African-American, 14%; 1,697 homozygotes.

Submission:

Unidad de Genómica Garrahan, Hospital de Pediatría Garrahan
Classification: Benign. Last evaluated: 2024-01-24. Review status: criteria provided, single submitter. Criteria: ACMG Guidelines, 2015. Collection method: clinical testing. Allele origin: germline. Affected: no. Observed: 19 variant alleles.
Comment: This variant is classified as Benign based on local population frequency. This variant was detected in 20% of patients studied by a panel of primary immunodeficiencies. Number of patients: 19. Only high quality variants are reported.